The following is an entry in ClinVar:

NM_000548.5(TSC2):c.3946G>A (p.Gly1316Arg)

Gene: TSC2 (TSC complex subunit 2; plus strand). Cytogenetic location: 16p13.3.
Variant type: single nucleotide variant.
Coding change: c.3946G>A on transcript NM_000548.5 (MANE Select); coding-DNA position 3946, G replaced by A.
Protein change: p.Gly1316Arg; replaces glycine 1316 with arginine.
Molecular consequence: missense variant.
Genome position (GRCh38, 1-based): chr16:2,083,757, G>A. VCF-style: chr16-2083757-G-A. GRCh37 (hg19) VCF-style: chr16-2133758-G-A.
Other names: c.3745G>A, p.Gly1249Arg (NM_001077183.3); c.3877G>A, p.Gly1293Arg (NM_001114382.3); c.3637G>A, p.Gly1213Arg (NM_001318827.2); c.3778G>A, p.Gly1260Arg (NM_001318832.2); c.3748G>A, p.Gly1250Arg (NM_001363528.2); c.3814G>A, p.Gly1272Arg (NM_001370404.1); c.3817G>A, p.Gly1273Arg (NM_001370405.1, NM_021055.3); c.3601G>A, p.Gly1201Arg (NM_001318829.2); and 1 more; short protein forms G1316R, G1072R, G1273R, G1250R, G1293R, G1213R, G1249R, G1201R.
Identifiers: ClinVar variation 536002 (VCV000536002.9), dbSNP rs1555513510, ClinGen allele CA394297375.

ClinVar aggregate classification (germline): Uncertain significance. Review status: criteria provided, multiple submitters, no conflicts (2 of 4 stars). 2 submissions from 2 submitters: Uncertain significance (2). Last evaluated 2026-07-01.

Conditions:
Tuberous sclerosis 2 (TSC2). Identifiers: Orphanet 805, MedGen C1860707, MONDO:0013199, OMIM 613254.
Hereditary cancer-predisposing syndrome. Also called: Hereditary Cancer Syndrome; Tumor predisposition; Hereditary neoplastic syndrome; Neoplastic Syndromes, Hereditary. Identifiers: Orphanet 140162, MedGen C0027672, MeSH D009386, MONDO:0015356.

Allele frequency attached by ClinVar (database versions not stated): gnomAD exomes below 0.00001.
gnomAD v4.1: 1 of 1,609,888 alleles (0.000062%); highest among the groups gnomAD compares: Non-Finnish European, 0.000085%; no homozygotes.

Submissions (2):

Ambry Genetics
Classification: Uncertain significance for Hereditary cancer-predisposing syndrome. Last evaluated: 2026-07-01. Review status: criteria provided, single submitter. Criteria: Ambry Variant Classification Scheme 2023. Collection method: clinical testing. Allele origin: germline.
Comment: The p.G1316R variant (also known as c.3946G>A), located in coding exon 32 of the TSC2 gene, results from a G to A substitution at nucleotide position 3946. The glycine at codon 1316 is replaced by arginine, an amino acid with dissimilar properties. This amino acid position is conserved. In addition, the in silico prediction for this alteration is inconclusive. Based on the available evidence, the clinical significance of this variant remains unclear.

Labcorp Genetics (formerly Invitae), Labcorp
Classification: Uncertain significance for Tuberous sclerosis 2. Last evaluated: 2017-12-09. Review status: criteria provided, single submitter. Criteria: Invitae Variant Classification Sherloc (09022015). Collection method: clinical testing. Allele origin: germline.
Comment: In summary, the available evidence is currently insufficient to determine the role of this variant in disease. Therefore, it has been classified as a Variant of Uncertain Significance. Algorithms developed to predict the effect of missense changes on protein structure and function (SIFT, PolyPhen-2, Align-GVGD) all suggest that this variant is likely to be tolerated, but these predictions have not been confirmed by published functional studies and their clinical significance is uncertain. This variant has not been reported in the literature in individuals with TSC2-related disease. This variant is not present in population databases (ExAC no frequency). This sequence change replaces glycine with arginine at codon 1316 of the TSC2 protein (p.Gly1316Arg). The glycine residue is weakly conserved and there is a moderate physicochemical difference between glycine and arginine.